The following is an entry in ClinVar:

NM_001399.5(EDA):c.686dup (p.Gly230fs)

Gene: EDA (ectodysplasin A; plus strand). Cytogenetic location: Xq13.1.
Variant type: Duplication.
Coding change: c.686dup on transcript NM_001399.5 (MANE Select); coding-DNA position 686, one base duplicated (C; older notation c.686dupC).
Protein change: p.Gly230fs; shifts the reading frame from glycine 230.
Molecular consequence: frameshift variant.
Genome position (GRCh38, 1-based): chrX:70,028,016, C duplicated; the last of 5 consecutive C bases (chrX:70,028,012-70,028,016); duplicating any one gives the same sequence. VCF-style (leftmost placement, unchanged base first): chrX-70028011-A-AC. GRCh37 (hg19) VCF-style: chrX-69247861-A-AC.
Other names: P.Gly230TrpfsTer10; c.686dup, p.Gly230fs (NM_001005609.2, NM_001005612.3); short protein forms G230fs.
Identifiers: ClinVar variation 691530 (VCV000691530.3), dbSNP rs1602618442, ClinGen allele CA915951153.

ClinVar aggregate classification (germline): Pathogenic (1 of 4 stars; one submission).

Conditions:
Hypohidrotic X-linked ectodermal dysplasia (XHED). Also called: Christ-Siemans-Touraine syndrome; Ectodermal Dysplasia 1, Anhidrotic; ECTODERMAL DYSPLASIA, HYPOHIDROTIC, 1; CST SYNDROME; ECTODERMAL DYSPLASIA 1, HYPOHIDROTIC/HAIR/TOOTH TYPE, X-LINKED; ECTODERMAL DYSPLASIA 1. Identifiers: Orphanet 181, Orphanet 238468, MedGen C0162359, MONDO:0010585, OMIM 305100.

Submission:

Foundation for Research in Genetics and Endocrinology, FRIGE's Institute of Human Genetics
Classification: Pathogenic for Hypohidrotic X-linked ectodermal dysplasia. Last evaluated: 2019-06-20. Review status: criteria provided, single submitter. Criteria: ACMG Guidelines, 2015. Collection method: clinical testing. Allele origin: germline. Inheritance: X-linked recessive inheritance. Affected: yes. Observed: 1 hemizygote.
Comment: A hemizygous variant c.686dup (p.Gly230TrpfsTer10) in exon-4 has been observed in the EDA gene. The observed variant has previously been reported in patient affected with X-linked hypohidrotic ectodermal dysplasia (Dietz J. et al. European journal of pediatrics 2013). The variant has not been reported in the 1000 genomes, ExAC and our internal database. The in silico prediction of variant is damaging by MutationTaster2. In summary, the said variant meets our criteria to be classified as pathogenic based on the mode of inheritance, in silico prediction, allele frequency in population databases and lack of segregation study.